The following is an entry in ClinVar:

NM_017415.3(KLHL3):c.286G>A (p.Val96Met)

Gene: KLHL3 (kelch like family member 3; minus strand). Cytogenetic location: 5q31.2.
Variant type: single nucleotide variant.
Coding change: c.286G>A on transcript NM_017415.3 (MANE Select); coding-DNA position 286, G replaced by A.
Protein change: p.Val96Met; replaces valine 96 with methionine.
Molecular consequence: missense variant.
Genome position (GRCh38, 1-based): chr5:137,698,364, C>T on the plus strand (G>A on the coding strand, the complement: KLHL3 is on the minus strand). VCF-style: chr5-137698364-C-T. GRCh37 (hg19) VCF-style: chr5-137034053-C-T.
Other names: c.190G>A, p.Val64Met (NM_001257194.1); c.40G>A, p.Val14Met (NM_001257195.2); short protein forms V64M, V14M, V96M.
Identifiers: ClinVar variation 2259530 (VCV002259530.5), dbSNP rs755972787, ClinGen allele CA3422524.

ClinVar aggregate classification (germline): Uncertain significance. Review status: criteria provided, multiple submitters, no conflicts (2 of 4 stars). 2 submissions from 2 submitters: Uncertain significance (2). Last evaluated 2024-01-29.

Conditions:
Inborn genetic diseases. Identifiers: MedGen C0950123, MeSH D030342.

Allele frequency attached by ClinVar (database versions not stated): ExAC 0.00002.

Submissions (2):

Labcorp Genetics (formerly Invitae), Labcorp
Classification: Uncertain significance. Last evaluated: 2024-01-29. Review status: criteria provided, single submitter. Criteria: Invitae Variant Classification Sherloc (09022015). Collection method: clinical testing. Allele origin: germline.
Comment: This sequence change replaces valine, which is neutral and non-polar, with methionine, which is neutral and non-polar, at codon 96 of the KLHL3 protein (p.Val96Met). This variant is present in population databases (rs755972787, gnomAD 0.003%). This variant has not been reported in the literature in individuals affected with KLHL3-related conditions. ClinVar contains an entry for this variant (Variation ID: 2259530). Advanced modeling of protein sequence and biophysical properties (such as structural, functional, and spatial information, amino acid conservation, physicochemical variation, residue mobility, and thermodynamic stability) performed at Invitae indicates that this missense variant is not expected to disrupt KLHL3 protein function with a negative predictive value of 80%. In summary, the available evidence is currently insufficient to determine the role of this variant in disease. Therefore, it has been classified as a Variant of Uncertain Significance.

Ambry Genetics
Classification: Uncertain significance for Inborn genetic diseases. Last evaluated: 2021-11-09. Review status: criteria provided, single submitter. Criteria: Ambry Variant Classification Scheme 2023. Collection method: clinical testing. Allele origin: germline.